The following is an entry in ClinVar:

ClinVar aggregate classification (germline): Likely pathogenic. Review status: criteria provided, multiple submitters, no conflicts (2 of 4 stars). 4 submissions from 4 submitters: Likely pathogenic (4). Last evaluated 2025-09-24.

Conditions:
DNAH5-related disorder. Also called: DNAH5-related condition.
Primary ciliary dyskinesia 3. Identifiers: Orphanet 244, MedGen C1837618, MONDO:0012085, OMIM 608644.

Allele frequency attached by ClinVar (database versions not stated): gnomAD 0.00001; gnomAD exomes 0.00002; TOPMed 0.00002; ESP Exome Variant Server 0.00008.

Submissions (4):

PreventionGenetics, part of Exact Sciences
Classification: Likely pathogenic for DNAH5-related condition. Last evaluated: 2025-09-24. Review status: criteria provided, single submitter. Criteria: ACMG Guidelines, 2015. Collection method: clinical testing. Allele origin: germline.
Comment: The DNAH5 c.57+1G>A variant is predicted to disrupt the GT donor site and interfere with normal splicing. To our knowledge, this variant has not been reported in the literature. This variant is reported in 0.0054% of alleles in individuals of European (Non-Finnish) descent in gnomAD. Variants that disrupt the consensus splice donor site in DNAH5 are expected to be pathogenic. This variant is interpreted as likely pathogenic.

Revvity Omics, Revvity
Classification: Likely pathogenic for Primary ciliary dyskinesia 3. Last evaluated: 2024-11-04. Review status: criteria provided, single submitter. Criteria: ACMG Guidelines, 2015. Collection method: clinical testing. Allele origin: germline.

Fulgent Genetics
Classification: Likely pathogenic for Primary ciliary dyskinesia 3. Last evaluated: 2024-06-07. Review status: criteria provided, single submitter. Criteria: ACMG Guidelines, 2015. Collection method: clinical testing. Allele origin: germline.

Genomic Medicine Center of Excellence, King Faisal Specialist Hospital and Research Centre
Classification: Likely pathogenic for Primary ciliary dyskinesia 3. Last evaluated: 2024-04-04. Review status: criteria provided, single submitter. Criteria: ACMG Guidelines, 2015. Collection method: clinical testing. Allele origin: germline.

NM_001369.3(DNAH5):c.57+1G>A

Gene: DNAH5 (dynein axonemal heavy chain 5; minus strand). Cytogenetic location: 5p15.2.
Variant type: single nucleotide variant.
Coding change: c.57+1G>A on transcript NM_001369.3 (MANE Select); the canonical splice donor site of the intron after coding-DNA position 57, G replaced by A.
Molecular consequence: splice donor variant.
Genome position (GRCh38, 1-based): chr5:13,944,381, C>T on the plus strand (G>A on the coding strand, the complement: DNAH5 is on the minus strand). VCF-style: chr5-13944381-C-T. GRCh37 (hg19) VCF-style: chr5-13944490-C-T.
Identifiers: ClinVar variation 2635774 (VCV002635774.5), dbSNP rs376118760, ClinGen allele CA113933363.